The following is an entry in ClinVar:

NM_130837.3(OPA1):c.238T>C (p.Tyr80His)

Gene: OPA1 (OPA1 mitochondrial dynamin like GTPase; plus strand). Cytogenetic location: 3q29.
Variant type: single nucleotide variant.
Coding change: c.238T>C on transcript NM_130837.3 (MANE Select); coding-DNA position 238, T replaced by C.
Protein change: p.Tyr80His; replaces tyrosine 80 with histidine.
Molecular consequence: missense variant. On other transcripts: 5 prime UTR variant (2).
Genome position (GRCh38, 1-based): chr3:193,614,928, T>C. VCF-style: chr3-193614928-T-C. GRCh37 (hg19) VCF-style: chr3-193332717-T-C.
Other names: c.-135T>C (NM_001354663.2, NM_001354664.2); c.238T>C, p.Tyr80His (NM_015560.3, NM_130831.3, NM_130832.3 and 4 more transcripts); short protein forms Y80H.
Identifiers: ClinVar variation 1963030 (VCV001963030.6), dbSNP rs1432310704, ClinGen allele CA355786792.

ClinVar aggregate classification (germline): Uncertain significance. Review status: criteria provided, multiple submitters, no conflicts (2 of 4 stars). 2 submissions from 2 submitters: Uncertain significance (2). Last evaluated 2025-12-24.

Allele frequency attached by ClinVar (database versions not stated): gnomAD exomes below 0.00001.
gnomAD v4.1: 4 of 1,613,800 alleles (0.00025%); highest among the groups gnomAD compares: African/African-American, 0.0027%; no homozygotes.

Submissions (2):

Labcorp Genetics (formerly Invitae), Labcorp
Classification: Uncertain significance. Last evaluated: 2025-12-24. Review status: criteria provided, single submitter. Criteria: Invitae Variant Classification Sherloc (09022015). Collection method: clinical testing. Allele origin: germline.
Comment: This sequence change replaces tyrosine, which is neutral and polar, with histidine, which is basic and polar, at codon 80 of the OPA1 protein (p.Tyr80His). This variant is not present in population databases (gnomAD no frequency). This variant has not been reported in the literature in individuals affected with OPA1-related conditions. ClinVar contains an entry for this variant (Variation ID: 1963030). Invitae Evidence Modeling of protein sequence and biophysical properties (such as structural, functional, and spatial information, amino acid conservation, physicochemical variation, residue mobility, and thermodynamic stability) indicates that this missense variant is not expected to disrupt OPA1 protein function with a negative predictive value of 80%. In summary, the available evidence is currently insufficient to determine the role of this variant in disease. Therefore, it has been classified as a Variant of Uncertain Significance.

Blueprint Genetics
Classification: Uncertain significance. Last evaluated: 2021-08-16. Review status: criteria provided, single submitter. Criteria: ACMG Guidelines, 2015. Collection method: clinical testing. Allele origin: germline.